The following is an entry in ClinVar:

ClinVar aggregate classification (germline): Pathogenic (1 of 4 stars; one submission).

Conditions:
Familial adenomatous polyposis 1 (FAP1). Also called: POLYPOSIS, ADENOMATOUS INTESTINAL; FAMILIAL ADENOMATOUS POLYPOSIS 1, ATTENUATED. Identifiers: MedGen C2713442, MONDO:0021056, OMIM 175100. Disease mechanism: loss of function.

Submission:

Myriad Genetics, Inc.
Classification: Pathogenic for Familial adenomatous polyposis 1. Last evaluated: 2023-05-16. Review status: criteria provided, single submitter. Criteria: Myriad Autosomal Dominant, Autosomal Recessive and X-Linked Classification Criteria (2023). Collection method: clinical testing. Allele origin: unknown.
Comment: This variant is considered pathogenic. This variant creates a frameshift predicted to result in premature protein truncation.

NM_000038.6(APC):c.7428del (p.Arg2476fs)

Gene: APC (APC regulator of Wnt signaling pathway; plus strand). Cytogenetic location: 5q22.2.
Variant type: Deletion.
Coding change: c.7428del on transcript NM_000038.6 (MANE Select); coding-DNA position 7428, one base deleted (G; older notation c.7428delG).
Protein change: p.Arg2476fs; shifts the reading frame from arginine 2476.
Molecular consequence: frameshift variant. On other transcripts: non-coding transcript variant (2).
Genome position (GRCh38, 1-based): chr5:112,843,022, G deleted; the last of 2 consecutive G bases (chr5:112,843,021-112,843,022); deleting either gives the same sequence. VCF-style (leftmost placement, unchanged base first): chr5-112843020-AG-A. GRCh37 (hg19) VCF-style: chr5-112178717-AG-A.
Other names: c.7125del, p.Arg2375fs (NM_001407459.1, NM_001407460.1, NM_001354903.2 and 1 more transcripts); c.7041del, p.Arg2347fs (NM_001407467.1, NM_001407469.1); c.6579del, p.Arg2193fs (NM_001407470.1, NM_001354906.2); c.6276del, p.Arg2092fs (NM_001407471.1, NM_001407472.1); c.7428del, p.Arg2476fs (NM_001127510.3, NM_001354895.2, NM_001407450.1); c.7374del, p.Arg2458fs (NM_001127511.3); c.7482del, p.Arg2494fs (NM_001354896.2, NM_001407447.1, NM_001407448.1 and 1 more transcripts); c.7458del, p.Arg2486fs (NM_001354897.2); and 11 more; short protein forms R2092fs, R2193fs, R2316fs, R2347fs, R2350fs, R2375fs, R2385fs, R2393fs.
Identifiers: ClinVar variation 2583460 (VCV002583460.2), dbSNP rs2533792529, ClinGen allele CA2582341625.